The following is an entry in ClinVar:

NM_001032382.2(PQBP1):c.757C>T (p.Arg253Trp)

Gene: PQBP1 (polyglutamine binding protein 1; plus strand). Cytogenetic location: Xp11.23.
Variant type: single nucleotide variant.
Coding change: c.757C>T on transcript NM_001032382.2 (MANE Select); coding-DNA position 757, C replaced by T.
Protein change: p.Arg253Trp; replaces arginine 253 with tryptophan.
Molecular consequence: missense variant.
Genome position (GRCh38, 1-based): chrX:48,903,043, C>T. VCF-style: chrX-48903043-C-T. GRCh37 (hg19) VCF-style: chrX-48760320-C-T.
Other names: c.757C>T, p.Arg253Trp (NM_001032381.2, NM_001032383.2, NM_001032384.1 and 1 more transcripts); c.754C>T, p.Arg252Trp (NM_001167989.2); c.733C>T, p.Arg245Trp (NM_001167990.2); c.457C>T, p.Arg153Trp (NM_001167992.1); c.472C>T, p.Arg158Trp (NM_144495.3); short protein forms R153W, R158W, R252W, R245W, R253W.
Identifiers: ClinVar variation 3937442 (VCV003937442.2).

ClinVar aggregate classification (germline): Uncertain significance. Review status: criteria provided, multiple submitters, no conflicts (2 of 4 stars). 2 submissions from 2 submitters: Uncertain significance (2). Last evaluated 2025-04-30.

Conditions:
Renpenning syndrome. Also called: MENTAL RETARDATION, X-LINKED 55; MENTAL RETARDATION, X-LINKED, SYNDROMIC 8; SUTHERLAND-HAAN X-LINKED MENTAL RETARDATION SYNDROME; Mental retardation, X-linked Renpenning type; X-linked mental retardation with spastic diplegia; X-linked mental retardation syndromic 3. Identifiers: Orphanet 3242, MedGen C0796135, MONDO:0010653, OMIM 309500.
Inborn genetic diseases. Identifiers: MedGen C0950123, MeSH D030342.

Submissions (2):

Ambry Genetics
Classification: Uncertain significance for Inborn genetic diseases. Last evaluated: 2025-04-30. Review status: criteria provided, single submitter. Criteria: Ambry Variant Classification Scheme 2023. Collection method: clinical testing. Allele origin: germline.

3billion
Classification: Uncertain significance for Renpenning syndrome. Last evaluated: 2025-01-06. Review status: criteria provided, single submitter. Criteria: ACMG Guidelines, 2015. Collection method: clinical testing. Allele origin: germline. Affected: yes.
Comment: The variant is observed at an extremely low frequency in the gnomAD v4.1.0 dataset (total allele frequency: <0.001%). Predicted Consequence/Location: Missense variant In silico tool predictions suggest damaging effect of the variant on gene or gene product [REVEL: 0.74 (>=0.6, sensitivity 0.68 and specificity 0.92); 3Cnet: 0.76 (>=0.6, sensitivity 0.72 and precision 0.9)]. Different missense changes at the same codon have been reported as of uncertain significance (ClinVar ID: VCV001304107). Therefore, this variant is classified as VUS according to the recommendation of ACMG/AMP guideline.